The following is an entry in ClinVar:

NM_001903.5(CTNNA1):c.343C>T (p.Pro115Ser)

Gene: CTNNA1 (catenin alpha 1; plus strand). Cytogenetic location: 5q31.2.
Variant type: single nucleotide variant.
Coding change: c.343C>T on transcript NM_001903.5 (MANE Select); coding-DNA position 343, C replaced by T.
Protein change: p.Pro115Ser; replaces proline 115 with serine.
Molecular consequence: missense variant. On other transcripts: intron variant (1).
Genome position (GRCh38, 1-based): chr5:138,810,079, C>T. VCF-style: chr5-138810079-C-T. GRCh37 (hg19) VCF-style: chr5-138145768-C-T.
Other names: c.343C>T, p.Pro115Ser (NM_001290307.3, NM_001323982.2, NM_001323983.1 and 3 more transcripts); c.34C>T, p.Pro12Ser (NM_001290309.3); c.-5-22C>T (NM_001290310.3); short protein forms P12S, P115S.
Identifiers: ClinVar variation 4008003 (VCV004008003.1).
Genomic context (GRCh38, chr5:138,810,079, plus strand): 5'-TTTTCATTCTGTAAAACAGGTGATTTGATGAAGGCTGCTGCAGGAGAGTTCGCAGATGAT[C>T]CCTGCTCTTCTGTGAAGCGAGGCAACATGGTTCGGGCAGCTCGAGCTTTGCTCTCTGCTG-3'
Protein context (NP_001894.2, residues 105-125): KAAAGEFADD[Pro115Ser]CSSVKRGNMV

ClinVar aggregate classification (germline): Uncertain significance (1 of 4 stars; one submission).

Conditions:
Hereditary cancer-predisposing syndrome. Also called: Tumor predisposition; Hereditary neoplastic syndrome; Neoplastic Syndromes, Hereditary; Hereditary Cancer Syndrome. Identifiers: Orphanet 140162, MedGen C0027672, MeSH D009386, MONDO:0015356.

Submission:

Ambry Genetics
Classification: Uncertain significance for Hereditary cancer-predisposing syndrome. Last evaluated: 2025-06-08. Review status: criteria provided, single submitter. Criteria: Ambry Variant Classification Scheme 2023. Collection method: clinical testing. Allele origin: germline.
Comment: The p.P115S variant (also known as c.343C>T), located in coding exon 3 of the CTNNA1 gene, results from a C to T substitution at nucleotide position 343. The proline at codon 115 is replaced by serine, an amino acid with similar properties. This amino acid position is conserved. In addition, the in silico prediction for this alteration is inconclusive. Based on the available evidence, the clinical significance of this variant remains unclear.